The following is an entry in ClinVar:

NM_015202.5(KATNIP):c.4055A>G (p.Asn1352Ser)

Genes: KATNIP (katanin interacting protein; plus strand), LOC126862323 (P300/CBP strongly-dependent group 1 enhancer GRCh37_chr16:27780758-27781957; plus strand). Cytogenetic location: 16p12.1.
Variant type: single nucleotide variant.
Coding change: c.4055A>G on transcript NM_015202.5 (MANE Select); coding-DNA position 4055, A replaced by G.
Protein change: p.Asn1352Ser; replaces asparagine 1352 with serine.
Molecular consequence: missense variant.
Genome position (GRCh38, 1-based): chr16:27,769,940, A>G. VCF-style: chr16-27769940-A-G. GRCh37 (hg19) VCF-style: chr16-27781261-A-G.
Other names: short protein forms N1352S.
Identifiers: ClinVar variation 4527218 (VCV004527218.1).

ClinVar aggregate classification (germline): Uncertain significance (1 of 4 stars; one submission).

gnomAD v4.1: 4 of 1,614,114 alleles (0.00025%); highest among the groups gnomAD compares: African/African-American, 0.004%; no homozygotes.

Submission:

GeneDx
Classification: Uncertain significance. Last evaluated: 2025-04-22. Review status: criteria provided, single submitter. Criteria: GeneDx Variant Classification Process June 2021. Collection method: clinical testing. Allele origin: germline. Affected: yes.
Comment: Not observed at significant frequency in large population cohorts (gnomAD); In silico analysis supports that this missense variant has a deleterious effect on protein structure/function; Has not been previously published as pathogenic or benign to our knowledge